The following is an entry in ClinVar:

ClinVar aggregate classification (germline): Uncertain significance (1 of 4 stars; one submission).

gnomAD v4.1: 1 of 1,613,920 alleles (0.000062%); highest among the groups gnomAD compares: Non-Finnish European, 0.000085%; no homozygotes.

Submission:

Labcorp Genetics (formerly Invitae), Labcorp
Classification: Uncertain significance. Last evaluated: 2025-07-23. Review status: criteria provided, single submitter. Criteria: Invitae Variant Classification Sherloc (09022015). Collection method: clinical testing. Allele origin: germline.
Comment: This sequence change replaces methionine, which is neutral and non-polar, with threonine, which is neutral and polar, at codon 204 of the CTR9 protein (p.Met204Thr). This variant is not present in population databases (gnomAD no frequency). This variant has not been reported in the literature in individuals affected with CTR9-related conditions. An algorithm developed to predict the effect of missense changes on protein structure and function (PolyPhen-2) suggests that this variant is likely to be tolerated. In summary, the available evidence is currently insufficient to determine the role of this variant in disease. Therefore, it has been classified as a Variant of Uncertain Significance.

NM_014633.5(CTR9):c.611T>C (p.Met204Thr)

Gene: CTR9 (CTR9 component of Paf1/RNA polymerase II complex; plus strand). Cytogenetic location: 11p15.4.
Variant type: single nucleotide variant.
Coding change: c.611T>C on transcript NM_014633.5 (MANE Select); coding-DNA position 611, T replaced by C.
Protein change: p.Met204Thr; replaces methionine 204 with threonine.
Molecular consequence: missense variant.
Genome position (GRCh38, 1-based): chr11:10,760,191, T>C. VCF-style: chr11-10760191-T-C. GRCh37 (hg19) VCF-style: chr11-10781738-T-C.
Other names: c.611T>C, p.Met204Thr (NM_001346279.2); short protein forms M204T.
Identifiers: ClinVar variation 4766534 (VCV004766534.1).
Genomic context (GRCh38, chr11:10,760,191, plus strand): 5'-AAAATGCCCTAGTTTGATAGATTGAATGACTTCATTTTATAGCGGAAGTTCGTTTAGGAA[T>C]GGGTCATTGCTTTGTGAAACTTAACAAACTGGAAAAAGCTCGTCTGGCATTCAGCAGAGC-3'
Protein context (NP_055448.1, residues 194-214): PGCPAEVRLG[Met204Thr]GHCFVKLNKL